The following is an entry in ClinVar:

NM_018706.7(DHTKD1):c.2061G>A (p.Trp687Ter)

Gene: DHTKD1 (dehydrogenase E1 and transketolase domain containing 1; plus strand). Cytogenetic location: 10p14.
Variant type: single nucleotide variant.
Coding change: c.2061G>A on transcript NM_018706.7 (MANE Select); coding-DNA position 2061, G replaced by A.
Protein change: p.Trp687Ter; replaces tryptophan 687 with a stop codon.
Molecular consequence: nonsense.
Genome position (GRCh38, 1-based): chr10:12,107,922, G>A. VCF-style: chr10-12107922-G-A. GRCh37 (hg19) VCF-style: chr10-12149921-G-A.
Other names: short protein forms W687*.
Identifiers: ClinVar variation 2633452 (VCV002633452.4), dbSNP rs769639705, ClinGen allele CA376012221.

ClinVar aggregate classification (germline): Pathogenic/Likely pathogenic. Review status: criteria provided, multiple submitters, no conflicts (2 of 4 stars). 2 submissions from 2 submitters: Pathogenic (1); Likely pathogenic (1). Last evaluated 2023-08-08.

Conditions:
DHTKD1-related disorder. Also called: DHTKD1-related condition.
2-aminoadipic 2-oxoadipic aciduria (AAKAD). Also called: Aminoadipic aciduria; ALPHA-AMINOADIPIC AND ALPHA-KETOADIPIC ACIDURIA. Identifiers: Orphanet 79154, MedGen C1859817, MONDO:0008774, OMIM 204750.

gnomAD v4.1: 5 of 1,613,400 alleles (0.00031%); highest among the groups gnomAD compares: Middle Eastern, 0.017%; no homozygotes.

Submissions (2):

PreventionGenetics, part of Exact Sciences
Classification: Likely pathogenic for DHTKD1-related condition. Last evaluated: 2023-08-08. Review status: criteria provided, single submitter. Criteria: ACMG Guidelines, 2015. Collection method: clinical testing. Allele origin: germline.
Comment: The DHTKD1 c.2061G>A variant is predicted to result in premature protein termination (p.Trp687*). This variant has been reported in a patient with unknown phenotype (suppl. Table 4 in Niceta et al. 2015. PubMed ID: 25865493). This variant has not been reported in a large population database, indicating this variant is rare. Nonsense variants in DHTKD1 are expected to be pathogenic. This variant is interpreted as likely pathogenic.

Labcorp Genetics (formerly Invitae), Labcorp
Classification: Pathogenic for 2-aminoadipic 2-oxoadipic aciduria. Last evaluated: 2022-11-24. Review status: criteria provided, single submitter. Criteria: Invitae Variant Classification Sherloc (09022015). Collection method: clinical testing. Allele origin: germline.
Comment: This variant is not present in population databases (gnomAD no frequency). For these reasons, this variant has been classified as Pathogenic. This variant has not been reported in the literature in individuals affected with DHTKD1-related conditions. This sequence change creates a premature translational stop signal (p.Trp687*) in the DHTKD1 gene. It is expected to result in an absent or disrupted protein product. Loss-of-function variants in DHTKD1 are known to be pathogenic (PMID: 23141293, 25860818).

Literature cited by the submitters: PubMed 23141293 (cited by Labcorp Genetics (formerly Invitae), Labcorp); PubMed 25860818 (cited by Labcorp Genetics (formerly Invitae), Labcorp).